The following is an entry in ClinVar:

NM_000548.5(TSC2):c.4325_4356del (p.Glu1442fs)

Gene: TSC2 (TSC complex subunit 2; plus strand). Cytogenetic location: 16p13.3.
Variant type: Deletion.
Coding change: c.4325_4356del on transcript NM_000548.5 (MANE Select); coding-DNA positions 4325 to 4356, 32 bases deleted.
Protein change: p.Glu1442fs; shifts the reading frame from glutamic acid 1442.
Molecular consequence: frameshift variant. On other transcripts: non-coding transcript variant (5).
Genome position (GRCh38, 1-based): chr16:2,084,547-2,084,578, 32 bases deleted; deleting any 32 consecutive bases within chr16:2,084,545-2,084,578 gives the same sequence; the c. name uses the placement nearest the transcript's 3' end. GRCh37 (hg19): chr16:2,134,548-2,134,579.
Other names: p.Glu1442Alafs*71; c.4124_4155del, p.Glu1375fs (NM_001077183.3); c.4256_4287del, p.Glu1419fs (NM_001114382.3); c.4016_4047del, p.Glu1339fs (NM_001318827.2); c.3980_4011del, p.Glu1327fs (NM_001318829.2); c.3593_3624del, p.Glu1198fs (NM_001318831.2); c.4157_4188del, p.Glu1386fs (NM_001318832.2); c.4127_4158del, p.Glu1376fs (NM_001363528.2); and 27 more; short protein forms E1222fs, E1326fs, E1327fs, E1339fs, E1370fs, E1375fs, E1418fs, E1419fs.
Identifiers: ClinVar variation 4541985 (VCV004541985.1).

ClinVar aggregate classification (germline): Pathogenic (1 of 4 stars; one submission).

Submission:

Mayo Clinic Laboratories, Mayo Clinic
Classification: Pathogenic. Last evaluated: 2025-10-01. Review status: criteria provided, single submitter. Criteria: ACMG Guidelines, 2015. Collection method: clinical testing. Allele origin: germline. Observed: 1 variant allele.
Comment: PP4, PM2_supporting, PVS1